The following is an entry in ClinVar:

ClinVar aggregate classification (germline): Uncertain significance (1 of 4 stars; one submission).

Conditions:
Lowe syndrome (OCRL). Also called: LOWE OCULOCEREBRORENAL SYNDROME; PHOSPHATIDYLINOSITOL 4,5-BISPHOSPHATE 5-PHOSPHATASE DEFICIENCY; Oculocerebrorenal Syndrome. Identifiers: Orphanet 534, MedGen C0028860, MONDO:0010645, OMIM 309000.

Submission:

Labcorp Genetics (formerly Invitae), Labcorp
Classification: Uncertain significance for Lowe syndrome. Last evaluated: 2022-02-13. Review status: criteria provided, single submitter. Criteria: Invitae Variant Classification Sherloc (09022015). Collection method: clinical testing. Allele origin: germline.
Comment: In summary, the available evidence is currently insufficient to determine the role of this variant in disease. Therefore, it has been classified as a Variant of Uncertain Significance. Algorithms developed to predict the effect of missense changes on protein structure and function are either unavailable or do not agree on the potential impact of this missense change (SIFT: "Tolerated"; PolyPhen-2: "Probably Damaging"; Align-GVGD: "Class C0"). This variant has not been reported in the literature in individuals affected with OCRL-related conditions. This variant is not present in population databases (gnomAD no frequency). This sequence change replaces glutamic acid, which is acidic and polar, with aspartic acid, which is acidic and polar, at codon 764 of the OCRL protein (p.Glu764Asp).

NM_000276.4(OCRL):c.2292G>T (p.Glu764Asp)

Gene: OCRL (OCRL inositol polyphosphate-5-phosphatase; plus strand). Cytogenetic location: Xq26.1.
Variant type: single nucleotide variant.
Coding change: c.2292G>T on transcript NM_000276.4 (MANE Select); coding-DNA position 2292, G replaced by T.
Protein change: p.Glu764Asp; replaces glutamic acid 764 with aspartic acid.
Molecular consequence: missense variant.
Genome position (GRCh38, 1-based): chrX:129,588,214, G>T. VCF-style: chrX-129588214-G-T. GRCh37 (hg19) VCF-style: chrX-128722191-G-T.
Other names: c.2295G>T, p.Glu765Asp (NM_001318784.2); c.2268G>T, p.Glu756Asp (NM_001587.4); short protein forms E756D, E765D, E764D.
Identifiers: ClinVar variation 2093659 (VCV002093659.4), dbSNP rs2521945646, ClinGen allele CA414630357.
Genomic context (GRCh38, chrX:129,588,214, plus strand): 5'-CCCTTCATTCTGACTTCTTTGGTAGGAGGACCTGTTCCAGACCCCTGGAATGCAGGAAGA[G>T]CTCCAGCAGATCATTGATTGTCTGGATACCAGCATTCCTGAGACAATCCGTATCCTTTGC-3'
Protein context (NP_000267.2, residues 754-774): DLFQTPGMQE[Glu764Asp]LQQIIDCLDT